The following is an entry in ClinVar:

NM_014384.3(ACAD8):c.1097G>A (p.Cys366Tyr)

Gene: ACAD8 (acyl-CoA dehydrogenase family member 8; plus strand). Cytogenetic location: 11q25.
Variant type: single nucleotide variant.
Coding change: c.1097G>A on transcript NM_014384.3 (MANE Select); coding-DNA position 1097, G replaced by A.
Protein change: p.Cys366Tyr; replaces cysteine 366 with tyrosine.
Molecular consequence: missense variant.
Genome position (GRCh38, 1-based): chr11:134,262,524, G>A. VCF-style: chr11-134262524-G-A. GRCh37 (hg19) VCF-style: chr11-134132418-G-A.
Other names: short protein forms C366Y.
Identifiers: ClinVar variation 1719036 (VCV001719036.6), dbSNP rs1939944447, ClinGen allele CA383518940.

ClinVar aggregate classification (germline): Uncertain significance (1 of 4 stars; one submission).

Conditions:
Deficiency of isobutyryl-CoA dehydrogenase. Also called: ACYL-CoA DEHYDROGENASE FAMILY, MEMBER 8, DEFICIENCY OF; ACAD8 DEFICIENCY; IBD DEFICIENCY. Identifiers: Orphanet 79159, MedGen C1969809, MONDO:0012648, OMIM 611283.

Allele frequency attached by ClinVar (database versions not stated): gnomAD exomes 0.00001.
gnomAD v4.1: 5 of 1,612,764 alleles (0.00031%); highest among the groups gnomAD compares: Non-Finnish European, 0.00042%; no homozygotes.

Submission:

Labcorp Genetics (formerly Invitae), Labcorp
Classification: Uncertain significance for Deficiency of isobutyryl-CoA dehydrogenase. Last evaluated: 2022-09-07. Review status: criteria provided, single submitter. Criteria: Invitae Variant Classification Sherloc (09022015). Collection method: clinical testing. Allele origin: germline.
Comment: In summary, the available evidence is currently insufficient to determine the role of this variant in disease. Therefore, it has been classified as a Variant of Uncertain Significance. Advanced modeling of protein sequence and biophysical properties (such as structural, functional, and spatial information, amino acid conservation, physicochemical variation, residue mobility, and thermodynamic stability) performed at Invitae indicates that this missense variant is expected to disrupt ACAD8 protein function. This variant has not been reported in the literature in individuals affected with ACAD8-related conditions. This variant is not present in population databases (gnomAD no frequency). This sequence change replaces cysteine, which is neutral and slightly polar, with tyrosine, which is neutral and polar, at codon 366 of the ACAD8 protein (p.Cys366Tyr).